The following is an entry in ClinVar:

NM_030665.4(RAI1):c.1691T>C (p.Met564Thr)

Gene: RAI1 (retinoic acid induced 1; plus strand). Cytogenetic location: 17p11.2.
Variant type: single nucleotide variant.
Coding change: c.1691T>C on transcript NM_030665.4 (MANE Select); coding-DNA position 1691, T replaced by C.
Protein change: p.Met564Thr; replaces methionine 564 with threonine.
Molecular consequence: missense variant.
Genome position (GRCh38, 1-based): chr17:17,794,639, T>C. VCF-style: chr17-17794639-T-C. GRCh37 (hg19) VCF-style: chr17-17697953-T-C.
Other names: short protein forms M564T.
Identifiers: ClinVar variation 2982449 (VCV002982449.3), dbSNP rs1227531814, ClinGen allele CA398548988.

ClinVar aggregate classification (germline): Uncertain significance (1 of 4 stars; one submission).

Allele frequency attached by ClinVar (database versions not stated): gnomAD exomes 0.00001; TOPMed 0.00001.
gnomAD v4.1: 13 of 1,613,064 alleles (0.00081%); highest among the groups gnomAD compares: Admixed American, 0.0017%; no homozygotes.

Submission:

Labcorp Genetics (formerly Invitae), Labcorp
Classification: Uncertain significance. Last evaluated: 2023-11-18. Review status: criteria provided, single submitter. Criteria: Invitae Variant Classification Sherloc (09022015). Collection method: clinical testing. Allele origin: germline.
Comment: This sequence change replaces methionine, which is neutral and non-polar, with threonine, which is neutral and polar, at codon 564 of the RAI1 protein (p.Met564Thr). This variant is present in population databases (no rsID available, gnomAD 0.0009%). This variant has not been reported in the literature in individuals affected with RAI1-related conditions. Advanced modeling of protein sequence and biophysical properties (such as structural, functional, and spatial information, amino acid conservation, physicochemical variation, residue mobility, and thermodynamic stability) performed at Invitae indicates that this missense variant is expected to disrupt RAI1 protein function with a positive predictive value of 80%. In summary, the available evidence is currently insufficient to determine the role of this variant in disease. Therefore, it has been classified as a Variant of Uncertain Significance.